The following is an entry in ClinVar:

NM_004655.4(AXIN2):c.1060-6del

Gene: AXIN2 (axin 2; minus strand). Cytogenetic location: 17q24.1.
Variant type: Deletion.
Coding change: c.1060-6del on transcript NM_004655.4 (MANE Select); 6 bases into the intron before coding-DNA position 1060, one base deleted (C; older notation c.1060-6delC).
Molecular consequence: intron variant.
Genome position (GRCh38, 1-based): chr17:65,538,349, G deleted on the plus strand (C on the coding strand, the reverse complement: AXIN2 is on the minus strand); the first of 2 consecutive G bases (chr17:65,538,349-65,538,350); deleting either gives the same sequence. VCF-style (leftmost placement, unchanged base first): chr17-65538348-AG-A. GRCh37 (hg19) VCF-style: chr17-63534466-AG-A.
Other names: c.1060-6del (NM_001363813.1, LRG_296t1, NM_004655.3).
Identifiers: ClinVar variation 415224 (VCV000415224.13), dbSNP rs1060504487, ClinGen allele CA16615606.

ClinVar aggregate classification (germline): Likely benign. Review status: criteria provided, multiple submitters, no conflicts (2 of 4 stars). 3 submissions from 3 submitters: Likely benign (3). Last evaluated 2025-10-27.

Conditions:
Oligodontia-cancer predisposition syndrome. Also called: TOOTH AGENESIS-COLORECTAL CANCER SYNDROME. Identifiers: Orphanet 300576, MedGen C1837750, MONDO:0012075, OMIM 608615. Disease mechanism: loss of function.

Submissions (3):

Labcorp Genetics (formerly Invitae), Labcorp
Classification: Likely benign for Oligodontia-cancer predisposition syndrome. Last evaluated: 2025-10-27. Review status: criteria provided, single submitter. Criteria: Invitae Variant Classification Sherloc (09022015). Collection method: clinical testing. Allele origin: germline.

Myriad Genetics, Inc.
Classification: Likely benign for Oligodontia-cancer predisposition syndrome. Last evaluated: 2024-07-01. Review status: criteria provided, single submitter. Criteria: Myriad Autosomal Dominant, Autosomal Recessive and X-Linked Classification Criteria (2023). Collection method: clinical testing. Allele origin: unknown.
Comment: This variant is considered likely benign. This variant is intronic and is not expected to impact mRNA splicing.

GeneDx
Classification: Likely benign. Last evaluated: 2023-09-23. Review status: criteria provided, single submitter. Criteria: GeneDx Variant Classification Process June 2021. Collection method: clinical testing. Allele origin: germline. Affected: yes.
Comment: See Variant Classification Assertion Criteria.